The following is an entry in ClinVar:

ClinVar aggregate classification (germline): Uncertain significance. Review status: criteria provided, multiple submitters, no conflicts (2 of 4 stars). 5 submissions from 5 submitters: Uncertain significance (5). Last evaluated 2026-01-09.

Conditions:
Familial colorectal cancer. Identifiers: MedGen CN280943, MONDO:0023113. Disease mechanism: loss of function.
Colorectal cancer, susceptibility to, 12 (CRCS12). Also called: COLORECTAL CANCER, SUSCEPTIBILITY TO, ON CHROMOSOME 12q24. Identifiers: Orphanet 220460, MedGen C3554460, MONDO:0014038, OMIM 615083.
Facial dysmorphism-immunodeficiency-livedo-short stature syndrome. Also called: Facial dysmorphism, immunodeficiency, livedo, and short stature; FILS syndrome. Identifiers: Orphanet 352712, MedGen C3554576, MONDO:0014058, OMIM 615139.
Hereditary cancer-predisposing syndrome. Also called: Hereditary Cancer Syndrome; Tumor predisposition; Hereditary neoplastic syndrome; Neoplastic Syndromes, Hereditary. Identifiers: Orphanet 140162, MedGen C0027672, MeSH D009386, MONDO:0015356.

Allele frequency attached by ClinVar (database versions not stated): gnomAD 0.00001.
gnomAD v4.1: 1 of 1,614,024 alleles (0.000062%); highest among the groups gnomAD compares: Non-Finnish European, 0.000085%; no homozygotes.

Submissions (5):

Ambry Genetics
Classification: Uncertain significance for Hereditary cancer-predisposing syndrome. Last evaluated: 2026-01-09. Review status: criteria provided, single submitter. Criteria: Ambry Variant Classification Scheme 2023. Collection method: clinical testing. Allele origin: germline.
Comment: The p.W347C variant (also known as c.1041G>T), located in coding exon 11 of the POLE gene, results from a G to T substitution at nucleotide position 1041. The tryptophan at codon 347 is replaced by cysteine, an amino acid with highly dissimilar properties. This amino acid position is highly conserved in available vertebrate species. In addition, the in silico prediction for this alteration is inconclusive. Based on the available evidence, the clinical significance of this variant remains unclear.

Center for Genomic Medicine, Rigshospitalet, Copenhagen University Hospital
Classification: Uncertain significance. Last evaluated: 2025-12-29. Review status: criteria provided, single submitter. Criteria: ACMG Guidelines, 2015. Collection method: clinical testing. Allele origin: germline.

Labcorp Genetics (formerly Invitae), Labcorp
Classification: Uncertain significance. Last evaluated: 2025-12-15. Review status: criteria provided, single submitter. Criteria: Invitae Variant Classification Sherloc (09022015). Collection method: clinical testing. Allele origin: germline.
Comment: This sequence change replaces tryptophan, which is neutral and slightly polar, with cysteine, which is neutral and slightly polar, at codon 347 of the POLE protein (p.Trp347Cys). This variant is present in population databases (no rsID available, gnomAD 0.007%). This missense change has been observed in individual(s) with cutaneous melanoma (PMID: 26251183). ClinVar contains an entry for this variant (Variation ID: 484505). Invitae Evidence Modeling of protein sequence and biophysical properties (such as structural, functional, and spatial information, amino acid conservation, physicochemical variation, residue mobility, and thermodynamic stability) has been performed for this missense variant. However, the output from this modeling did not meet the statistical confidence thresholds required to predict the impact of this variant on POLE protein function. Experimental studies have shown that this missense change affects POLE function (PMID: 26251183). RNA analysis performed to evaluate the impact of this missense change on mRNA splicing indicates it does not significantly alter splicing (internal data). In summary, the available evidence is currently insufficient to determine the role of this variant in disease. Therefore, it has been classified as a Variant of Uncertain Significance.

Baylor Genetics
Classification: Uncertain significance for Colorectal cancer, susceptibility to, 12. Last evaluated: 2024-01-18. Review status: criteria provided, single submitter. Criteria: ACMG Guidelines, 2015. Collection method: clinical testing. Allele origin: unknown.

Fulgent Genetics
Classification: Uncertain significance for Colorectal cancer, susceptibility to, 12; Facial dysmorphism-immunodeficiency-livedo-short stature syndrome. Last evaluated: 2018-10-31. Review status: criteria provided, single submitter. Criteria: ACMG Guidelines, 2015. Collection method: clinical testing. Allele origin: unknown.

Literature cited by the submitters: PubMed 26251183 (cited by Ambry Genetics and Labcorp Genetics (formerly Invitae), Labcorp); PubMed 26822575 (cited by Ambry Genetics); PubMed 28117753 (cited by Ambry Genetics).

NM_006231.4(POLE):c.1041G>T (p.Trp347Cys)

Gene: POLE (DNA polymerase epsilon, catalytic subunit; minus strand). Cytogenetic location: 12q24.33.
Variant type: single nucleotide variant.
Coding change: c.1041G>T on transcript NM_006231.4 (MANE Select); coding-DNA position 1041, G replaced by T.
Protein change: p.Trp347Cys; replaces tryptophan 347 with cysteine.
Molecular consequence: missense variant.
Genome position (GRCh38, 1-based): chr12:132,675,800, C>A on the plus strand (G>T on the coding strand, the complement: POLE is on the minus strand). VCF-style: chr12-132675800-C-A. GRCh37 (hg19) VCF-style: chr12-133252386-C-A.
Other names: short protein forms W347C.
Identifiers: ClinVar variation 484505 (VCV000484505.19), dbSNP rs1048183984, ClinGen allele CA246298514.
Genomic context (GRCh38, chr12:132,675,800, plus strand): 5'-AAAAAAGTCCCCGTTGTAGGTGACCATGATGGTGGGTTTGGTCTCCTGGACGTGTTCAAA[C>A]CACCTTTGGATCAGATGAGCCTGAACCCAAGTCACAGCAGTCAGAGGTCTGCTCTTTCTC-3'
Protein context (NP_006222.2, residues 337-357): EPDEAHLIQR[Trp347Cys]FEHVQETKPT